The following is an entry in ClinVar:

ClinVar aggregate classification (germline): Pathogenic (1 of 4 stars; one submission).

Conditions:
Propionic acidemia (PROP). Also called: GLYCINEMIA, KETOTIC; HYPERGLYCINEMIA WITH KETOACIDOSIS AND LEUKOPENIA; KETOTIC HYPERGLYCINEMIA. Identifiers: Orphanet 35, MedGen C0268579, MONDO:0011628, OMIM 606054, HP:0003571.

Submission:

Labcorp Genetics (formerly Invitae), Labcorp
Classification: Pathogenic for Propionic acidemia. Last evaluated: 2022-07-26. Review status: criteria provided, single submitter. Criteria: Invitae Variant Classification Sherloc (09022015). Collection method: clinical testing. Allele origin: germline.
Comment: For these reasons, this variant has been classified as Pathogenic. This variant has not been reported in the literature in individuals affected with PCCA-related conditions. This variant is a gross deletion of the genomic region encompassing exon(s) 13-18 of the PCCA gene. This deletion is out-of-frame, and is expected to create a premature termination codon and result in an absent or disrupted protein product. Loss-of-function variants in PCCA are known to be pathogenic (PMID: 15464417).

Literature cited by the submitters: PubMed 15464417.

NC_000013.10:g.(?_100953694)_(100992533_?)del

Gene: PCCA (propionyl-CoA carboxylase subunit alpha; plus strand). Cytogenetic location: 13q32.3.
Variant type: Deletion.
Identifiers: ClinVar variation 2422799 (VCV002422799.4).